The following is an entry in ClinVar:

NM_152564.5(VPS13B):c.7152G>A (p.Pro2384=)

Gene: VPS13B (vacuolar protein sorting 13 homolog B; plus strand). Cytogenetic location: 8q22.2.
Variant type: single nucleotide variant.
Coding change: c.7152G>A on transcript NM_152564.5 (MANE Select); coding-DNA position 7152, G replaced by A.
Protein change: p.Pro2384=; no amino-acid change (proline 2384 retained).
Molecular consequence: synonymous variant.
Genome position (GRCh38, 1-based): chr8:99,766,875, G>A. VCF-style: chr8-99766875-G-A. GRCh37 (hg19) VCF-style: chr8-100779103-G-A.
Other names: p.Pro2409=; c.7227G>A, p.Pro2409= (NM_017890.5).
Identifiers: ClinVar variation 95864 (VCV000095864.75), dbSNP rs61753725, ClinGen allele CA148964.

ClinVar aggregate classification (germline): Benign/Likely benign. Review status: criteria provided, multiple submitters, no conflicts (2 of 4 stars). 17 submissions from 17 submitters: Benign (10); Likely benign (5). 2 of the submissions do not count toward it. Last evaluated 2026-09-01.

Conditions:
Inborn genetic diseases. Identifiers: MedGen C0950123, MeSH D030342.
Cohen syndrome (COH1). Also called: PEPPER SYNDROME; Cutis verticis gyrata, retinitis pigmentosa, and sensorineural deafness. Identifiers: Orphanet 193, MedGen C0265223, MONDO:0008999, OMIM 216550.

Allele frequency attached by ClinVar (database versions not stated): 1000 Genomes Project 30x 0.00265; 1000 Genomes Project 0.00300; ExAC 0.00370; gnomAD exomes 0.00405 and 0.00510; gnomAD 0.00412 and 0.00413; TOPMed 0.00459; ESP Exome Variant Server 0.00492.
gnomAD v4.1: 8,139 of 1,613,950 alleles (0.5%); highest among the groups gnomAD compares: Middle Eastern, 0.66%; 29 homozygotes.

Submissions (17):

CeGaT Center for Human Genetics Tuebingen
Classification: Likely benign. Last evaluated: 2026-09-01. Review status: criteria provided, single submitter. Criteria: CeGaT Center For Human Genetics Tuebingen Variant Classification Criteria Version 2. Collection method: clinical testing. Allele origin: germline. Affected: yes. Observed: 47 variant alleles.
Comment: VPS13B: BP4, BP7, BS2

Labcorp Genetics (formerly Invitae), Labcorp
Classification: Benign for Cohen syndrome. Last evaluated: 2026-02-02. Review status: criteria provided, single submitter. Criteria: Invitae Variant Classification Sherloc (09022015). Collection method: clinical testing. Allele origin: germline.

Women's Health and Genetics/Laboratory Corporation of America, LabCorp
Classification: Benign. Last evaluated: 2026-01-22. Review status: criteria provided, single submitter. Criteria: LabCorp Variant Classification Summary - May 2015. Collection method: clinical testing. Allele origin: germline.

Athena Diagnostics
Classification: Benign. Last evaluated: 2025-01-30. Review status: criteria provided, single submitter. Criteria: Athena Diagnostics Criteria. Collection method: clinical testing. Allele origin: unknown.
Comment: The frequency of this variant in the general population is higher than would generally be expected for pathogenic variants in this gene.

Mayo Clinic Laboratories, Mayo Clinic
Classification: Benign. Last evaluated: 2024-12-16. Review status: criteria provided, single submitter. Criteria: ACMG Guidelines, 2015. Collection method: clinical testing. Allele origin: germline. Observed: 14 variant alleles.
Comment: BS1, BS2, BP4, BP7

Blueprint Genetics
Classification: Likely benign. Last evaluated: 2024-11-27. Review status: criteria provided, single submitter. Criteria: ACMG Guidelines, 2015. Collection method: clinical testing. Allele origin: germline.

GeneDx
Classification: Benign. Last evaluated: 2019-03-20. Review status: criteria provided, single submitter. Criteria: GeneDx Variant Classification Process June 2021. Collection method: clinical testing. Allele origin: germline. Affected: yes.

Genetic Services Laboratory, University of Chicago
Classification: Benign. Last evaluated: 2017-11-02. Review status: criteria provided, single submitter. Criteria: ACMG Guidelines, 2015. Collection method: clinical testing. Allele origin: germline. Affected: no.

Illumina Laboratory Services, Illumina
Classification: Benign for Cohen syndrome. Last evaluated: 2017-06-26. Review status: criteria provided, single submitter. Criteria: ICSL Variant Classification Criteria 13 December 2019. Collection method: clinical testing. Allele origin: germline.
Comment: This variant was observed as part of a predisposition screen in an ostensibly healthy population. A literature search was performed for the gene, cDNA change, and amino acid change (where applicable). Publications were found based on this search. The evidence from the literature, in combination with allele frequency data from public databases where available, was sufficient to rule this variant out of causing disease. Therefore, this variant is classified as benign.

Ambry Genetics
Classification: Likely benign for Inborn genetic diseases. Last evaluated: 2016-06-21. Review status: criteria provided, single submitter. Criteria: Ambry Variant Classification Scheme 2023. Collection method: clinical testing. Allele origin: germline.

Clinical Genetics DNA and cytogenetics Diagnostics Lab, Erasmus MC, Erasmus Medical Center
Classification: Likely benign for Cohen syndrome. Last evaluated: 2015-09-21. Review status: criteria provided, single submitter. Criteria: ACGS Guidelines, 2013. Collection method: clinical testing. Allele origin: germline. Affected: yes. Study: VKGL Data-share Consensus.

Genome Diagnostics Laboratory, University Medical Center Utrecht
Classification: Benign for Cohen syndrome. Last evaluated: 2014-10-10. Review status: criteria provided, single submitter. Criteria: ACGS Guidelines, 2013. Collection method: clinical testing. Allele origin: germline. Affected: yes. Study: VKGL Data-share Consensus.

Eurofins Ntd Llc (ga)
Classification: Benign. Last evaluated: 2012-12-03. Review status: criteria provided, single submitter. Criteria: EGL Classification Definitions 2015. Collection method: clinical testing. Allele origin: germline. Observed: 3 variant alleles, 3 heterozygotes.

Breakthrough Genomics
Classification: Likely benign. Review status: criteria provided, single submitter. Criteria: ACMG Guidelines, 2015. Collection method: not provided. Allele origin: germline. Inheritance: Autosomal recessive inheritance. Affected: yes.

PreventionGenetics, part of Exact Sciences
Classification: Benign. Review status: criteria provided, single submitter. Criteria: ACMG Guidelines, 2015. Collection method: clinical testing. Allele origin: germline.

Natera, Inc.
Classification: Benign for Cohen syndrome. Last evaluated: 2019-12-06. Review status: no assertion criteria provided. Collection method: clinical testing. Allele origin: germline. Not counted in ClinVar's aggregate classification.

Clinical Genetics, Academic Medical Center
Classification: Benign. Review status: no assertion criteria provided. Collection method: clinical testing. Allele origin: germline. Affected: yes. Study: VKGL Data-share Consensus. Not counted in ClinVar's aggregate classification.

Literature cited by the submitters: PubMed 19006247 (cited by Athena Diagnostics and Ambry Genetics); PubMed 16648375 (cited by 3 submitters).